The following is an entry in ClinVar:

NM_001759.4(CCND2):c.508C>G (p.Gln170Glu)

Gene: CCND2 (cyclin D2; plus strand). Cytogenetic location: 12p13.32.
Variant type: single nucleotide variant.
Coding change: c.508C>G on transcript NM_001759.4 (MANE Select); coding-DNA position 508, C replaced by G.
Protein change: p.Gln170Glu; replaces glutamine 170 with glutamic acid.
Molecular consequence: missense variant.
Genome position (GRCh38, 1-based): chr12:4,278,856, C>G. VCF-style: chr12-4278856-C-G. GRCh37 (hg19) VCF-style: chr12-4388022-C-G.
Other names: short protein forms Q170E.
Identifiers: ClinVar variation 4978790 (VCV004978790.1).
Genomic context (GRCh38, chr12:4,278,856, plus strand): 5'-AACCTGGCAGCTGTCACTCCTCATGACTTCATTGAGCACATCTTGCGCAAGCTGCCCCAG[C>G]AGCGGGAGAAGCTGTCTCTGATCCGCAAGCATGCTCAGACCTTCATTGCTCTGTGTGCCA-3'
Protein context (NP_001750.1, residues 160-180): IEHILRKLPQ[Gln170Glu]REKLSLIRKH

ClinVar aggregate classification (germline): Uncertain significance (1 of 4 stars; one submission).

Conditions:
CCND2-related disorder. Also called: CCND2-related condition.

Submission:

PreventionGenetics, part of Exact Sciences
Classification: Uncertain significance for CCND2-related condition. Last evaluated: 2026-02-20. Review status: criteria provided, single submitter. Criteria: ACMG Guidelines, 2015. Collection method: clinical testing. Allele origin: germline.
Comment: The CCND2 c.508C>G variant is predicted to result in the amino acid substitution p.Gln170Glu. To our knowledge, this variant has not been reported in the literature. This variant is reported in 0.00090% of alleles in individuals of European (Non-Finnish) descent in gnomAD. At this time, the clinical significance of this variant is uncertain due to the absence of conclusive functional and genetic evidence.